The following is an entry in ClinVar:

ClinVar aggregate classification (germline): Likely benign. Review status: criteria provided, multiple submitters, no conflicts (2 of 4 stars). 3 submissions from 3 submitters: Likely benign (3). Last evaluated 2024-08-06.

Conditions:
Malignant hyperthermia, susceptibility to, 1 (MHS1). Also called: Malignant hyperthermia suceptibility 1; RYR1-Related Malignant Hyperthermia Susceptibility; Anesthesia related hyperthermia; Malignant hyperpyrexia; Fulminating hyperpyrexia; Pharmacogenic myopathy. Identifiers: Orphanet 423, MedGen C2930980, MONDO:0007783, OMIM 145600.
RYR1-related disorder. Also called: RYR1-related condition; RYR1-related disorders. Identifiers: MedGen CN239331.

Allele frequency attached by ClinVar (database versions not stated): ExAC 0.00001; gnomAD exomes 0.00001.
gnomAD v4.1: 17 of 1,614,228 alleles (0.0011%); highest among the groups gnomAD compares: South Asian, 0.012%; no homozygotes.

Submissions (3):

All of Us Research Program, National Institutes of Health
Classification: Likely benign for Malignant hyperthermia, susceptibility to, 1. Last evaluated: 2024-08-06. Review status: criteria provided, single submitter. Criteria: ACMG Guidelines, 2015. Collection method: clinical testing. Allele origin: germline. Inheritance: Autosomal dominant inheritance. Observed: 2 variant alleles, 2 heterozygotes.
Comment: This study involves interpretation of variants in research participants for the purpose of population health screening. Participant phenotype was not available at the time of variant classification. Additional details can be found in publication PMID: 35346344, PMCID: PMC8962531

Blueprint Genetics
Classification: Likely benign. Last evaluated: 2023-11-03. Review status: criteria provided, single submitter. Criteria: ACMG Guidelines, 2015. Collection method: clinical testing. Allele origin: germline.

Labcorp Genetics (formerly Invitae), Labcorp
Classification: Likely benign for RYR1-related disorder. Last evaluated: 2023-10-27. Review status: criteria provided, single submitter. Criteria: Invitae Variant Classification Sherloc (09022015). Collection method: clinical testing. Allele origin: germline.

NM_000540.3(RYR1):c.9300G>A (p.Ser3100=)

Gene: RYR1 (ryanodine receptor 1; plus strand). Cytogenetic location: 19q13.2.
Variant type: single nucleotide variant.
Coding change: c.9300G>A on transcript NM_000540.3 (MANE Select); coding-DNA position 9300, G replaced by A.
Protein change: p.Ser3100=; no amino-acid change (serine 3100 retained).
Molecular consequence: synonymous variant.
Genome position (GRCh38, 1-based): chr19:38,512,311, G>A. VCF-style: chr19-38512311-G-A. GRCh37 (hg19) VCF-style: chr19-39002951-G-A.
Other names: c.9300G>A, p.Ser3100= (NM_001042723.2).
Identifiers: ClinVar variation 1132751 (VCV001132751.11), dbSNP rs762145186, ClinGen allele CA073474.